The following is an entry in ClinVar:

ClinVar aggregate classification (germline): Conflicting classifications of pathogenicity. Review status: criteria provided, conflicting classifications (1 of 4 stars). 8 submissions from 7 submitters: Uncertain significance (2); Benign (4); Likely benign (2). Last evaluated 2026-01-14.

Conditions:
Cardiovascular phenotype. Identifiers: MedGen CN230736.
Cardiomyopathy (CMYO). Also called: Cardiomyopathies. Identifiers: Orphanet 167848, MedGen C0878544, MONDO:0004994, HP:0001638. Inheritance: Various modes of inheritance.
Hypertrichotic osteochondrodysplasia Cantu type. Also called: Cantu Syndrome; Cantú Syndrome. Identifiers: Orphanet 1517, MedGen C0795905, MONDO:0009406, OMIM 239850.
Dilated cardiomyopathy 1O (CMD1O). Also called: CARDIOMYOPATHY, DILATED, WITH VENTRICULAR TACHYCARDIA. Identifiers: Orphanet 154, MedGen C1837839, MONDO:0012062, OMIM 608569.

Allele frequency attached by ClinVar (database versions not stated): gnomAD exomes 0.00007 and 0.00018; ExAC 0.00021; 1000 Genomes Project 0.00060; 1000 Genomes Project 30x 0.00078; ESP Exome Variant Server 0.00085; gnomAD 0.00092; TOPMed 0.00094.
gnomAD v4.1: 233 of 1,613,698 alleles (0.014%); highest among the groups gnomAD compares: African/African-American, 0.28%; no homozygotes.

Submissions (8):

Labcorp Genetics (formerly Invitae), Labcorp
Classification: Benign for Dilated cardiomyopathy 1O. Last evaluated: 2026-01-14. Review status: criteria provided, single submitter. Criteria: Invitae Variant Classification Sherloc (09022015). Collection method: clinical testing. Allele origin: germline.

Blueprint Genetics
Classification: Likely benign. Last evaluated: 2024-11-12. Review status: criteria provided, single submitter. Criteria: ACMG Guidelines, 2015. Collection method: clinical testing. Allele origin: germline.

CHEO Genetics Diagnostic Laboratory, Children's Hospital of Eastern Ontario
Classification: Benign for Cardiomyopathy. Last evaluated: 2019-12-18. Review status: criteria provided, single submitter. Criteria: ACMG Guidelines, 2015. Collection method: clinical testing. Allele origin: germline. Study: Canadian Open Genetics Repository.

Women's Health and Genetics/Laboratory Corporation of America, LabCorp
Classification: Benign. Last evaluated: 2018-07-09. Review status: criteria provided, single submitter. Criteria: LabCorp Variant Classification Summary - May 2015. Collection method: clinical testing. Allele origin: germline.
Comment: Variant summary: ABCC9 c.2826T>C alters a non-conserved nucleotide resulting in a synonymous change. 5/5 computational tools predict no significant impact on normal splicing. However, these predictions have yet to be confirmed by functional studies. The variant allele was found at a frequency of 0.00026 in 277136 control chromosomes (gnomAD). The observed variant frequency is approximately 11-fold of the estimated maximal expected allele frequency for a pathogenic variant in ABCC9 causing Cardiomyopathy phenotype (2.5e-05), strongly suggesting that the variant is benign. To our knowledge, no occurrence of c.2826T>C in individuals affected with Cardiomyopathy and no experimental evidence demonstrating its impact on protein function have been reported. Three clinical diagnostic laboratories have submitted clinical-significance assessments for this variant to ClinVar after 2014 without evidence for independent evaluation (2 x likely benign/benign, 1 x VUS). Based on the evidence outlined above, the variant was classified as benign.

Illumina Laboratory Services, Illumina
Classification: Uncertain significance for Hypertrichotic osteochondrodysplasia Cantu type. Last evaluated: 2018-01-13. Review status: criteria provided, single submitter. Criteria: ICSL Variant Classification Criteria 13 December 2019. Collection method: clinical testing. Allele origin: germline.

Illumina Laboratory Services, Illumina
Classification: Uncertain significance for Dilated cardiomyopathy 1O. Last evaluated: 2018-01-13. Review status: criteria provided, single submitter. Criteria: ICSL Variant Classification Criteria 13 December 2019. Collection method: clinical testing. Allele origin: germline.

Ambry Genetics
Classification: Likely benign for Cardiovascular phenotype. Last evaluated: 2016-06-17. Review status: criteria provided, single submitter. Criteria: Ambry Variant Classification Scheme 2023. Collection method: clinical testing. Allele origin: germline.

GeneDx
Classification: Benign. Last evaluated: 2014-09-23. Review status: criteria provided, single submitter. Criteria: GeneDx Variant Classification (06012015). Collection method: clinical testing. Allele origin: germline. Affected: yes.
Comment: This variant is considered likely benign or benign based on one or more of the following criteria: it is a conservative change, it occurs at a poorly conserved position in the protein, it is predicted to be benign by multiple in silico algorithms, and/or has population frequency not consistent with disease.

NM_020297.4(ABCC9):c.2826T>C (p.Tyr942=)

Gene: ABCC9 (ATP binding cassette subfamily C member 9; minus strand). Cytogenetic location: 12p12.1.
Variant type: single nucleotide variant.
Coding change: c.2826T>C on transcript NM_020297.4 (MANE Select); coding-DNA position 2826, T replaced by C.
Protein change: p.Tyr942=; no amino-acid change (tyrosine 942 retained).
Molecular consequence: synonymous variant.
Genome position (GRCh38, 1-based): chr12:21,848,190, A>G on the plus strand (T>C on the coding strand, the complement: ABCC9 is on the minus strand). VCF-style: chr12-21848190-A-G. GRCh37 (hg19) VCF-style: chr12-22001124-A-G.
Other names: p.Y942Y:TAT>TAC; c.2826T>C, p.Tyr942= (NM_001377273.1, NM_005691.4); c.1959T>C, p.Tyr653= (NM_001377274.1).
Identifiers: ClinVar variation 201611 (VCV000201611.24), dbSNP rs141025897, ClinGen allele CA308160.